The following is an entry in ClinVar:

ClinVar aggregate classification (germline): Conflicting classifications of pathogenicity. Review status: criteria provided, conflicting classifications (1 of 4 stars). 6 submissions from 5 submitters: Uncertain significance (3); Likely benign (3). Last evaluated 2026-05-01.

Conditions:
Emery-Dreifuss muscular dystrophy 4, autosomal dominant (EDMD4). Also called: EMERY-DREIFUSS MUSCULAR DYSTROPHY 4 WITH VARIABLE FEATURES. Identifiers: Orphanet 261, MedGen C2751807, MONDO:0013071, OMIM 612998.
Autosomal recessive ataxia, Beauce type. Also called: SYNE1 Deficiency; SYNE1-Related Autosomal Recessive Cerebellar Ataxia; ATAXIA, RECESSIVE, OF BEAUCE; Spinocerebellar ataxia, autosomal recessive 8. Identifiers: Orphanet 88644, MedGen C1853116, MONDO:0012549, OMIM 610743.

Allele frequency attached by ClinVar (database versions not stated): gnomAD exomes 0.00005 and 0.00011; gnomAD 0.00006 and 0.00009; ESP Exome Variant Server 0.00008; ExAC 0.00010; TOPMed 0.00010.
gnomAD v4.1: 94 of 1,614,134 alleles (0.0058%); highest among the groups gnomAD compares: Middle Eastern, 0.049%; no homozygotes.

Submissions (6):

CeGaT Center for Human Genetics Tuebingen
Classification: Likely benign. Last evaluated: 2026-05-01. Review status: criteria provided, single submitter. Criteria: CeGaT Center For Human Genetics Tuebingen Variant Classification Criteria Version 2. Collection method: clinical testing. Allele origin: germline. Affected: yes. Observed: 3 variant alleles.
Comment: SYNE1: BP4

Labcorp Genetics (formerly Invitae), Labcorp
Classification: Likely benign for Emery-Dreifuss muscular dystrophy 4, autosomal dominant; Autosomal recessive ataxia, Beauce type. Last evaluated: 2025-09-15. Review status: criteria provided, single submitter. Criteria: Invitae Variant Classification Sherloc (09022015). Collection method: clinical testing. Allele origin: germline.

Athena Diagnostics
Classification: Uncertain significance. Last evaluated: 2018-05-15. Review status: criteria provided, single submitter. Criteria: Athena Diagnostics Criteria. Collection method: clinical testing. Allele origin: germline.

Illumina Laboratory Services, Illumina
Classification: Likely benign for Emery-Dreifuss muscular dystrophy 4, autosomal dominant. Last evaluated: 2018-01-13. Review status: criteria provided, single submitter. Criteria: ICSL Variant Classification Criteria 13 December 2019. Collection method: clinical testing. Allele origin: germline.
Comment: This variant was observed in the ICSL laboratory as part of a predisposition screen in an ostensibly healthy population. It had not been previously curated by ICSL or reported in the Human Gene Mutation Database (HGMD: prior to June 1st, 2018), and was therefore a candidate for classification through an automated scoring system. Utilizing variant allele frequency, disease prevalence and penetrance estimates, and inheritance mode, an automated score was calculated to assess if this variant is too frequent to cause the disease. Based on the score and internal cut-off values, a variant classified as likely benign is not then subjected to further curation. The score for this variant resulted in a classification of likely benign for this disease.

Illumina Laboratory Services, Illumina
Classification: Uncertain significance for Autosomal recessive ataxia, Beauce type. Last evaluated: 2018-01-13. Review status: criteria provided, single submitter. Criteria: ICSL Variant Classification Criteria 13 December 2019. Collection method: clinical testing. Allele origin: germline.

Eurofins Ntd Llc (ga)
Classification: Uncertain significance. Last evaluated: 2017-06-05. Review status: criteria provided, single submitter. Criteria: EGL Classification Definitions 2015. Collection method: clinical testing. Allele origin: germline. Observed: 3 variant alleles, 3 heterozygotes.

NM_182961.4(SYNE1):c.2893-5G>A

Gene: SYNE1 (spectrin repeat containing nuclear envelope protein 1; minus strand). Cytogenetic location: 6q25.2.
Variant type: single nucleotide variant.
Coding change: c.2893-5G>A on transcript NM_182961.4 (MANE Select); 5 bases into the intron before coding-DNA position 2893, G replaced by A.
Molecular consequence: intron variant.
Genome position (GRCh38, 1-based): chr6:152,453,725, C>T on the plus strand (G>A on the coding strand, the complement: SYNE1 is on the minus strand). VCF-style: chr6-152453725-C-T. GRCh37 (hg19) VCF-style: chr6-152774860-C-T.
Other names: c.2914-5G>A (NM_033071.5).
Identifiers: ClinVar variation 286491 (VCV000286491.42), dbSNP rs370196519, ClinGen allele CA4058986.